The following is an entry in ClinVar:

NM_022489.4(INF2):c.1409C>A (p.Ala470Asp)

Gene: INF2 (inverted formin 2; plus strand). Cytogenetic location: 14q32.33.
Variant type: single nucleotide variant.
Coding change: c.1409C>A on transcript NM_022489.4 (MANE Select); coding-DNA position 1409, C replaced by A.
Protein change: p.Ala470Asp; replaces alanine 470 with aspartic acid.
Molecular consequence: missense variant.
Genome position (GRCh38, 1-based): chr14:104,707,676, C>A. VCF-style: chr14-104707676-C-A. GRCh37 (hg19) VCF-style: chr14-105174013-C-A.
Other names: c.1409C>A, p.Ala470Asp (NM_001031714.4); short protein forms A470D.
Identifiers: ClinVar variation 645639 (VCV000645639.16), dbSNP rs1166010216, ClinGen allele CA391216906.
Genomic context (GRCh38, chr14:104,707,676, plus strand): 5'-GGGCTAAGGCCCTCCCAACAGCACCCCCGCCCCCACCCCTGCCAGGCCTGGGGGCCATGG[C>A]CCCCCCAGCACCTCCTCTACCACCACCCCTGCCAGGCTCCTGTGAGTTCCTGCCCCCACC-3'
Protein context (NP_071934.3, residues 460-480): PPPLPGLGAM[Ala470Asp]PPAPPLPPPL

ClinVar aggregate classification (germline): Conflicting classifications of pathogenicity. Review status: criteria provided, conflicting classifications (1 of 4 stars). 7 submissions from 7 submitters: Uncertain significance (1); Likely benign (6). Last evaluated 2026-04-14.

Conditions:
Focal segmental glomerulosclerosis 5 (FSGS5). Identifiers: Orphanet 656, MedGen C2750475, MONDO:0013191, OMIM 613237.
Charcot-Marie-Tooth disease dominant intermediate E. Also called: CHARCOT-MARIE-TOOTH NEUROPATHY WITH FOCAL SEGMENTAL GLOMERULONEPHRITIS. Identifiers: Orphanet 93114, MedGen C4302667, MONDO:0013758, OMIM 614455.
INF2-related disorder. Also called: INF2-related condition.
Inborn genetic diseases. Identifiers: MedGen C0950123, MeSH D030342.

Allele frequency attached by ClinVar (database versions not stated): gnomAD 0.00010 and 0.00011.
gnomAD v4.1: 136 of 760,180 alleles (0.018%); highest among the groups gnomAD compares: Non-Finnish European, 0.026%; no homozygotes.

Submissions (7):

PreventionGenetics, part of Exact Sciences
Classification: Uncertain significance for INF2-related condition. Last evaluated: 2026-04-14. Review status: criteria provided, single submitter. Criteria: ACMG Guidelines, 2015. Collection method: clinical testing. Allele origin: germline.
Comment: The INF2 c.1409C>A variant is predicted to result in the amino acid substitution p.Ala470Asp. To our knowledge, this variant has not been reported in the literature. This variant is reported in 0.021% of alleles in individuals of European (non-Finnish) descent in gnomAD. Although we suspect that this variant may be benign, at this time, the clinical significance of this variant is uncertain due to the absence of conclusive functional and genetic evidence.

Labcorp Genetics (formerly Invitae), Labcorp
Classification: Likely benign for Charcot-Marie-Tooth disease dominant intermediate E; Focal segmental glomerulosclerosis 5. Last evaluated: 2025-09-17. Review status: criteria provided, single submitter. Criteria: Invitae Variant Classification Sherloc (09022015). Collection method: clinical testing. Allele origin: germline.

Laboratory of Genetics, Children's Clinical University Hospital Latvia
Classification: Likely benign. Last evaluated: 2025-02-16. Review status: criteria provided, single submitter. Criteria: ACMG Guidelines, 2015. Collection method: clinical testing. Allele origin: germline. Affected: yes.

Women's Health and Genetics/Laboratory Corporation of America, LabCorp
Classification: Likely benign. Last evaluated: 2024-12-11. Review status: criteria provided, single submitter. Criteria: LabCorp Variant Classification Summary - May 2015. Collection method: clinical testing. Allele origin: germline.
Comment: Variant summary: INF2 c.1409C>A (p.Ala470Asp) results in a non-conservative amino acid change in the encoded protein sequence. Four of five in-silico tools predict a benign effect of the variant on protein function. The variant allele was found at a frequency of 8.1e-05 in 135316 control chromosomes. The observed variant frequency is approximately 130 fold of the estimated maximal expected allele frequency for a pathogenic variant in INF2 causing Charcot-Marie-Tooth disease dominant intermediate E phenotype (6.3e-07). To our knowledge, no occurrence of c.1409C>A in individuals affected with Charcot-Marie-Tooth disease dominant intermediate E and no experimental evidence demonstrating its impact on protein function have been reported. ClinVar contains an entry for this variant (Variation ID: 645639). Based on the evidence outlined above, the variant was classified as likely benign.

Blueprint Genetics
Classification: Likely benign. Last evaluated: 2024-03-16. Review status: criteria provided, single submitter. Criteria: ACMG Guidelines, 2015. Collection method: clinical testing. Allele origin: germline.

Ambry Genetics
Classification: Likely benign for Inborn genetic diseases. Last evaluated: 2023-02-08. Review status: criteria provided, single submitter. Criteria: Ambry Variant Classification Scheme 2023. Collection method: clinical testing. Allele origin: germline.

GeneDx
Classification: Likely benign. Last evaluated: 2021-04-02. Review status: criteria provided, single submitter. Criteria: GeneDx Variant Classification Process June 2021. Collection method: clinical testing. Allele origin: germline. Affected: yes.